The following is an entry in ClinVar:

NM_147686.4(TRAF3IP2):c.701G>C (p.Arg234Thr)

Genes: TRAF3IP2 (TRAF3 interacting protein 2; minus strand), TRAF3IP2-AS1 (TRAF3IP2 antisense RNA 1; plus strand), LOC114803478 (TRAF3IP2 eExon liver enhancer; plus strand). Cytogenetic location: 6q21.
Variant type: single nucleotide variant.
Coding change: c.701G>C on transcript NM_147686.4 (MANE Select); coding-DNA position 701, G replaced by C.
Protein change: p.Arg234Thr; replaces arginine 234 with threonine.
Molecular consequence: missense variant.
Genome position (GRCh38, 1-based): chr6:111,591,386, C>G on the plus strand (G>C on the coding strand, the complement: TRAF3IP2 is on the minus strand). VCF-style: chr6-111591386-C-G. GRCh37 (hg19) VCF-style: chr6-111912589-C-G.
Other names: c.701G>C, p.Arg234Thr (NM_001164281.3); c.728G>C, p.Arg243Thr (NM_147200.3); short protein forms R243T, R234T.
Identifiers: ClinVar variation 1397621 (VCV001397621.8), dbSNP rs774269212, ClinGen allele CA3963275.

ClinVar aggregate classification (germline): Uncertain significance (1 of 4 stars; one submission).

Conditions:
Candidiasis, familial, 8 (CANDF8). Identifiers: Orphanet 1334, MedGen C3714992, MONDO:0014230, OMIM 615527.

Allele frequency attached by ClinVar (database versions not stated): ExAC 0.00001; gnomAD exomes 0.00001.

Submission:

Labcorp Genetics (formerly Invitae), Labcorp
Classification: Uncertain significance for Candidiasis, familial, 8. Last evaluated: 2020-12-16. Review status: criteria provided, single submitter. Criteria: Invitae Variant Classification Sherloc (09022015). Collection method: clinical testing. Allele origin: germline.
Comment: In summary, the available evidence is currently insufficient to determine the role of this variant in disease. Therefore, it has been classified as a Variant of Uncertain Significance. Algorithms developed to predict the effect of missense changes on protein structure and function are either unavailable or do not agree on the potential impact of this missense change (SIFT: "Tolerated"; PolyPhen-2: "Possibly Damaging"; Align-GVGD: "Class C0"). This variant has not been reported in the literature in individuals with TRAF3IP2-related conditions. This variant is present in population databases (rs774269212, ExAC 0.009%). This sequence change replaces arginine with threonine at codon 234 of the TRAF3IP2 protein (p.Arg234Thr). The arginine residue is moderately conserved and there is a moderate physicochemical difference between arginine and threonine.